The following is an entry in ClinVar:

ClinVar aggregate classification (germline): Likely benign (0 of 4 stars; one submission).

Conditions:
MYO1F-related disorder. Also called: MYO1F-related condition.

Allele frequency attached by ClinVar (database versions not stated): ExAC 0.00008; gnomAD 0.00015; 1000 Genomes Project 30x 0.00016; 1000 Genomes Project 0.00020; ESP Exome Variant Server 0.00025.
gnomAD v4.1: 67 of 1,611,534 alleles (0.0042%); highest among the groups gnomAD compares: Middle Eastern, 0.084%; 1 homozygote.

Submission:

PreventionGenetics, part of Exact Sciences
Classification: Likely benign for MYO1F-related condition. Last evaluated: 2019-09-17. Review status: no assertion criteria provided. Collection method: clinical testing. Allele origin: germline.
Comment: This variant is classified as likely benign based on ACMG/AMP sequence variant interpretation guidelines (Richards et al. 2015 PMID: 25741868, with internal and published modifications).

NM_012335.4(MYO1F):c.1269+7G>A

Gene: MYO1F (myosin IF; minus strand). Cytogenetic location: 19p13.2.
Variant type: single nucleotide variant.
Coding change: c.1269+7G>A on transcript NM_012335.4 (MANE Select); 7 bases into the intron after coding-DNA position 1269, G replaced by A.
Molecular consequence: intron variant.
Genome position (GRCh38, 1-based): chr19:8,548,029, C>T on the plus strand (G>A on the coding strand, the complement: MYO1F is on the minus strand). VCF-style: chr19-8548029-C-T. GRCh37 (hg19) VCF-style: chr19-8612913-C-T.
Other names: c.1257+7G>A (NM_001348355.2).
Identifiers: ClinVar variation 3040602 (VCV003040602.2), dbSNP rs201979058, ClinGen allele CA9159380.